The following is an entry in ClinVar:

NM_001903.5(CTNNA1):c.2042A>G (p.Lys681Arg)

Gene: CTNNA1 (catenin alpha 1; plus strand). Cytogenetic location: 5q31.2.
Variant type: single nucleotide variant.
Coding change: c.2042A>G on transcript NM_001903.5 (MANE Select); coding-DNA position 2042, A replaced by G.
Protein change: p.Lys681Arg; replaces lysine 681 with arginine.
Molecular consequence: missense variant.
Genome position (GRCh38, 1-based): chr5:138,930,504, A>G. VCF-style: chr5-138930504-A-G. GRCh37 (hg19) VCF-style: chr5-138266193-A-G.
Other names: c.2042A>G, p.Lys681Arg (NM_001290307.3, NM_001323982.2, NM_001323983.1 and 2 more transcripts); c.1733A>G, p.Lys578Arg (NM_001290309.3); c.1673A>G, p.Lys558Arg (NM_001290310.3); c.932A>G, p.Lys311Arg (NM_001290312.1, NM_001323987.1, NM_001323988.1 and 17 more transcripts); c.1949A>G, p.Lys650Arg (NM_001323986.2); c.593A>G, p.Lys198Arg (NM_001324006.1, NM_001324007.1, NM_001324008.1 and 2 more transcripts); c.839A>G, p.Lys280Arg (NM_001324011.1); c.689A>G, p.Lys230Arg (NM_001324012.1, NM_001324013.1); short protein forms K578R, K198R, K230R, K280R, K311R, K558R, K650R, K681R.
Identifiers: ClinVar variation 2085987 (VCV002085987.4), dbSNP rs2533847726, ClinGen allele CA361133364.

ClinVar aggregate classification (germline): Uncertain significance (1 of 4 stars; one submission).

Submission:

Labcorp Genetics (formerly Invitae), Labcorp
Classification: Uncertain significance. Last evaluated: 2024-02-23. Review status: criteria provided, single submitter. Criteria: Invitae Variant Classification Sherloc (09022015). Collection method: clinical testing. Allele origin: germline.
Comment: This sequence change replaces lysine, which is basic and polar, with arginine, which is basic and polar, at codon 681 of the CTNNA1 protein (p.Lys681Arg). This variant is not present in population databases (gnomAD no frequency). This variant has not been reported in the literature in individuals affected with CTNNA1-related conditions. ClinVar contains an entry for this variant (Variation ID: 2085987). Advanced modeling of protein sequence and biophysical properties (such as structural, functional, and spatial information, amino acid conservation, physicochemical variation, residue mobility, and thermodynamic stability) performed at Invitae indicates that this missense variant is not expected to disrupt CTNNA1 protein function with a negative predictive value of 80%. In summary, the available evidence is currently insufficient to determine the role of this variant in disease. Therefore, it has been classified as a Variant of Uncertain Significance.